The following is an entry in ClinVar:

NM_001360.3(DHCR7):c.1272C>T (p.Gly424=)

Gene: DHCR7 (7-dehydrocholesterol reductase; minus strand). Cytogenetic location: 11q13.4.
Variant type: single nucleotide variant.
Coding change: c.1272C>T on transcript NM_001360.3 (MANE Select); coding-DNA position 1272, C replaced by T.
Protein change: p.Gly424=; no amino-acid change (glycine 424 retained).
Molecular consequence: synonymous variant.
Genome position (GRCh38, 1-based): chr11:71,435,531, G>A on the plus strand (C>T on the coding strand, the complement: DHCR7 is on the minus strand). VCF-style: chr11-71435531-G-A. GRCh37 (hg19) VCF-style: chr11-71146577-G-A.
Other names: p.Gly424=; c.1272C>T, p.Gly424= (NM_001163817.2).
Identifiers: ClinVar variation 93708 (VCV000093708.47), dbSNP rs909217, ClinGen allele CA147233.

ClinVar aggregate classification (germline): Benign. Review status: criteria provided, multiple submitters, no conflicts (2 of 4 stars). 16 submissions from 16 submitters: Benign (12). 4 of the submissions do not count toward it. Last evaluated 2026-02-04.

Conditions:
DHCR7-related disorder. Also called: DHCR7-related condition.
Inborn genetic diseases. Identifiers: MedGen C0950123, MeSH D030342.
Smith-Lemli-Opitz syndrome (SLOS). Also called: 7-Dehydrocholesterol reductase deficiency; LETHAL ACRODYSGENITAL SYNDROME; POLYDACTYLY, SEX REVERSAL, RENAL HYPOPLASIA, AND UNILOBAR LUNG; RSH SYNDROME; RUTLEDGE LETHAL MULTIPLE CONGENITAL ANOMALY SYNDROME. Identifiers: Orphanet 818, MedGen C0175694, MONDO:0010035, OMIM 270400.

Allele frequency attached by ClinVar (database versions not stated): 1000 Genomes Project 0.38199; 1000 Genomes Project 30x 0.38585; TOPMed 0.54668; ExAC 0.54991; gnomAD 0.55151 and 0.56172; gnomAD exomes 0.56021; ESP Exome Variant Server 0.60253.

Submissions (16):

Labcorp Genetics (formerly Invitae), Labcorp
Classification: Benign for Smith-Lemli-Opitz syndrome. Last evaluated: 2026-02-04. Review status: criteria provided, single submitter. Criteria: Invitae Variant Classification Sherloc (09022015). Collection method: clinical testing. Allele origin: germline.

Blueprint Genetics
Classification: Benign. Last evaluated: 2024-11-27. Review status: criteria provided, single submitter. Criteria: ACMG Guidelines, 2015. Collection method: clinical testing. Allele origin: germline.

Mayo Clinic Laboratories, Mayo Clinic
Classification: Benign. Last evaluated: 2022-05-05. Review status: criteria provided, single submitter. Criteria: ACMG Guidelines, 2015. Collection method: clinical testing. Allele origin: germline. Observed: 484 variant alleles.

ARUP Laboratories, Molecular Genetics and Genomics, ARUP Laboratories
Classification: Benign for Smith-Lemli-Opitz syndrome. Last evaluated: 2021-10-05. Review status: criteria provided, single submitter. Criteria: ARUP Molecular Germline Variant Investigation Process 2021. Collection method: clinical testing. Allele origin: germline.

Genome-Nilou Lab
Classification: Benign for Smith-Lemli-Opitz syndrome. Last evaluated: 2021-07-01. Review status: criteria provided, single submitter. Criteria: ACMG Guidelines, 2015. Collection method: clinical testing. Allele origin: germline. Affected: no.

Eurofins Ntd Llc (ga)
Classification: Benign. Last evaluated: 2018-06-06. Review status: criteria provided, single submitter. Criteria: EGL ClinVar v180209 classification definitions. Collection method: clinical testing. Allele origin: germline. Observed: 40 variant alleles, 22 heterozygotes, 18 homozygotes.

Illumina Laboratory Services, Illumina
Classification: Benign for Smith-Lemli-Opitz syndrome. Last evaluated: 2018-01-12. Review status: criteria provided, single submitter. Criteria: ICSL Variant Classification Criteria 13 December 2019. Collection method: clinical testing. Allele origin: germline.
Comment: This variant was observed in the ICSL laboratory as part of a predisposition screen in an ostensibly healthy population. It had not been previously curated by ICSL or reported in the Human Gene Mutation Database (HGMD: prior to June 1st, 2018), and was therefore a candidate for classification through an automated scoring system. Utilizing variant allele frequency, disease prevalence and penetrance estimates, and inheritance mode, an automated score was calculated to assess if this variant is too frequent to cause the disease. Based on the score and internal cut-off values, a variant classified as benign is not then subjected to further curation. The score for this variant resulted in a classification of benign for this disease.

Athena Diagnostics
Classification: Benign for Smith-Lemli-Opitz syndrome. Last evaluated: 2017-04-11. Review status: criteria provided, single submitter. Criteria: Athena Diagnostics Criteria. Collection method: clinical testing. Allele origin: germline.

Laboratory for Molecular Medicine, Mass General Brigham Personalized Medicine
Classification: Benign. Last evaluated: 2016-03-21. Review status: criteria provided, single submitter. Criteria: LMM Criteria. Collection method: clinical testing. Allele origin: germline. Observed: 1 variant allele.
Comment: p.Gly424Gly in exon 9 of DHCR7: This variant is not expected to have clinical significance because it does not alter an amino acid residue, is not located within the splice consensus sequence, and has been identified in 69.38% (44295/63848) of European chromosomes by the Exome Aggregation Consortium (ExAC; dbSNP rs909217).

Ambry Genetics
Classification: Benign for Inborn genetic diseases. Last evaluated: 2016-03-11. Review status: criteria provided, single submitter. Criteria: Ambry Variant Classification Scheme 2023. Collection method: clinical testing. Allele origin: germline.

GeneDx
Classification: Benign. Last evaluated: 2015-03-03. Review status: criteria provided, single submitter. Criteria: GeneDx Variant Classification Process June 2021. Collection method: clinical testing. Allele origin: germline. Affected: yes.

Breakthrough Genomics
Classification: Benign. Review status: criteria provided, single submitter. Criteria: ACMG Guidelines, 2015. Collection method: not provided. Allele origin: germline. Inheritance: Autosomal recessive inheritance. Affected: yes.

PreventionGenetics, part of Exact Sciences
Classification: Benign for DHCR7-related condition. Last evaluated: 2021-04-07. Review status: no assertion criteria provided. Collection method: clinical testing. Allele origin: germline. Not counted in ClinVar's aggregate classification.
Comment: This variant is classified as benign based on ACMG/AMP sequence variant interpretation guidelines (Richards et al. 2015 PMID: 25741868, with internal and published modifications).

Natera, Inc.
Classification: Benign for Smith-Lemli-Opitz syndrome. Last evaluated: 2017-05-05. Review status: no assertion criteria provided. Collection method: clinical testing. Allele origin: germline. Not counted in ClinVar's aggregate classification.

Diagnostic Laboratory, Department of Genetics, University Medical Center Groningen
Classification: Benign. Review status: no assertion criteria provided. Collection method: clinical testing. Allele origin: germline. Affected: yes. Study: VKGL Data-share Consensus. Not counted in ClinVar's aggregate classification.

Joint Genome Diagnostic Labs from Nijmegen and Maastricht, Radboudumc and MUMC+
Classification: Benign. Review status: no assertion criteria provided. Collection method: clinical testing. Allele origin: germline. Affected: yes. Study: VKGL Data-share Consensus. Not counted in ClinVar's aggregate classification.

Literature cited by the submitters: PubMed 11111101 (cited by Athena Diagnostics).